The following is an entry in ClinVar:

ClinVar aggregate classification (germline): Pathogenic (1 of 4 stars; one submission).

Conditions:
Marfan syndrome (MFS). Also called: MARFAN SYNDROME, TYPE I; Marfan syndrome type 1; Marfan's syndrome; Marfan syndrome, classic; FBN1-Related Marfan Syndrome. Identifiers: Orphanet 284963, Orphanet 558, MedGen C0024796, MONDO:0007947, OMIM 154700.
Familial thoracic aortic aneurysm and aortic dissection (TAAD). Also called: Thoracic aortic aneurysms and dissections. Identifiers: Orphanet 91387, MedGen C4707243, MONDO:0019625.

Submission:

Labcorp Genetics (formerly Invitae), Labcorp
Classification: Pathogenic for Marfan syndrome; Familial thoracic aortic aneurysm and aortic dissection. Last evaluated: 2023-07-25. Review status: criteria provided, single submitter. Criteria: Invitae Variant Classification Sherloc (09022015). Collection method: clinical testing. Allele origin: germline.
Comment: This sequence change replaces cysteine, which is neutral and slightly polar, with serine, which is neutral and polar, at codon 1420 of the FBN1 protein (p.Cys1420Ser). For these reasons, this variant has been classified as Pathogenic. This variant disrupts the p.Cys1420 amino acid residue in FBN1. Other variant(s) that disrupt this residue have been observed in individuals with FBN1-related conditions (PMID: 19293843, 19863550; Invitae), which suggests that this may be a clinically significant amino acid residue. This variant affects a cysteine residue in the EGF-like, TGFBP or hybrid motif domains of FBN1. Cysteine residues are believed to be involved in intramolecular disulfide bridges and have been shown to be important for FBN1 protein structure (PMID: 16905551, 19349279). In addition, missense substitutions affecting cysteine residues within these domains are significantly overrepresented among patients with Marfan syndrome (PMID: 16571647, 17701892). Advanced modeling of protein sequence and biophysical properties (such as structural, functional, and spatial information, amino acid conservation, physicochemical variation, residue mobility, and thermodynamic stability) performed at Invitae indicates that this missense variant is expected to disrupt FBN1 protein function. This missense change has been observed in individual(s) with Marfan syndrome (Invitae). This variant is not present in population databases (gnomAD no frequency).

Literature cited by the submitters: PubMed 19293843; PubMed 19863550; PubMed 16905551; PubMed 19349279; PubMed 16571647; PubMed 17701892.

NM_000138.5(FBN1):c.4259G>C (p.Cys1420Ser)

Genes: FBN1 (fibrillin 1; minus strand), LOC126862124 (CDK7 strongly-dependent group 2 enhancer GRCh37_chr15:48764566-48765765; plus strand). Cytogenetic location: 15q21.1.
Variant type: single nucleotide variant.
Coding change: c.4259G>C on transcript NM_000138.5 (MANE Select); coding-DNA position 4259, G replaced by C.
Protein change: p.Cys1420Ser; replaces cysteine 1420 with serine.
Molecular consequence: missense variant.
Genome position (GRCh38, 1-based): chr15:48,472,628, C>G on the plus strand (G>C on the coding strand, the complement: FBN1 is on the minus strand). VCF-style: chr15-48472628-C-G. GRCh37 (hg19) VCF-style: chr15-48764825-C-G.
Other names: c.4259G>C, p.Cys1420Ser (NM_001406716.1); short protein forms C1420S.
Identifiers: ClinVar variation 2950251 (VCV002950251.3), dbSNP rs397515804, ClinGen allele CA392317898.
Genomic context (GRCh38, chr15:48,472,628, plus strand): 5'-TCAGCACTGGGCACGAAGCCCATGTCGCATTCACAGCGGTATCCTCCTGGTGCATTGAGG[C>G]ACTGGCCATTGCCACAGAGATTCAGGTTCTCAGAGCACTCATCAAGGTCTACAGCCAGAA-3'
Protein context (NP_000129.3, residues 1410-1430): ENLNLCGNGQ[Cys1420Ser]LNAPGGYRCE